The following is an entry in ClinVar:

NM_022463.5(NXN):c.415G>A (p.Asp139Asn)

Gene: NXN (nucleoredoxin; minus strand). Cytogenetic location: 17p13.3.
Variant type: single nucleotide variant.
Coding change: c.415G>A on transcript NM_022463.5 (MANE Select); coding-DNA position 415, G replaced by A.
Protein change: p.Asp139Asn; replaces aspartic acid 139 with asparagine.
Molecular consequence: missense variant.
Genome position (GRCh38, 1-based): chr17:826,024, C>T on the plus strand (G>A on the coding strand, the complement: NXN is on the minus strand). VCF-style: chr17-826024-C-T. GRCh37 (hg19) VCF-style: chr17-729264-C-T.
Other names: c.91G>A, p.Asp31Asn (NM_001205319.1); short protein forms D139N, D31N.
Identifiers: ClinVar variation 2364288 (VCV002364288.6), dbSNP rs747027542, ClinGen allele CA8264223.

ClinVar aggregate classification (germline): Uncertain significance. Review status: criteria provided, multiple submitters, no conflicts (2 of 4 stars). 2 submissions from 2 submitters: Uncertain significance (2). Last evaluated 2026-01-01.

Allele frequency attached by ClinVar (database versions not stated): gnomAD 0.00001; TOPMed 0.00001; ExAC 0.00002; gnomAD exomes 0.00003.
gnomAD v4.1: 42 of 1,613,816 alleles (0.0026%); highest among the groups gnomAD compares: Middle Eastern, 0.016%; no homozygotes.

Submissions (2):

CeGaT Center for Human Genetics Tuebingen
Classification: Uncertain significance. Last evaluated: 2026-01-01. Review status: criteria provided, single submitter. Criteria: CeGaT Center For Human Genetics Tuebingen Variant Classification Criteria Version 2. Collection method: clinical testing. Allele origin: germline. Affected: yes. Observed: 1 variant allele.
Comment: NXN: PM2

Ambry Genetics
Classification: Uncertain significance. Last evaluated: 2022-07-27. Review status: criteria provided, single submitter. Criteria: Ambry Variant Classification Scheme 2023. Collection method: clinical testing. Allele origin: germline.